The following is an entry in ClinVar:

ClinVar aggregate classification (germline): Uncertain significance (1 of 4 stars; one submission).

Submission:

Labcorp Genetics (formerly Invitae), Labcorp
Classification: Uncertain significance. Last evaluated: 2023-11-07. Review status: criteria provided, single submitter. Criteria: Invitae Variant Classification Sherloc (09022015). Collection method: clinical testing. Allele origin: germline.
Comment: A copy number gain of the genomic region encompassing the full coding sequence of the RINT1 gene has been identified. The boundaries of this event are unknown as they extend beyond the assayed region for this gene and therefore may encompass additional genes. As the precise location of this event is unknown, it may be in tandem or it may be located elsewhere in the genome. This variant has not been reported in the literature in individuals affected with RINT1-related conditions. In summary, the available evidence is currently insufficient to determine the role of this variant in disease. Therefore, it has been classified as a Variant of Uncertain Significance.

NC_000007.13:g.(?_105172763)_(105207758_?)dup

Gene: RINT1 (RAD50 interactor 1; plus strand). Cytogenetic location: 7q22.3.
Variant type: Duplication.
Identifiers: ClinVar variation 1023835 (VCV001023835.6).